The following is an entry in ClinVar:

NM_007272.3(CTRC):c.178G>C (p.Gly60Arg)

Gene: CTRC (chymotrypsin C; plus strand). Cytogenetic location: 1p36.21.
Variant type: single nucleotide variant.
Coding change: c.178G>C on transcript NM_007272.3 (MANE Select); coding-DNA position 178, G replaced by C.
Protein change: p.Gly60Arg; replaces glycine 60 with arginine.
Molecular consequence: missense variant.
Genome position (GRCh38, 1-based): chr1:15,440,538, G>C. VCF-style: chr1-15440538-G-C. GRCh37 (hg19) VCF-style: chr1-15767034-G-C.
Other names: short protein forms G60R.
Identifiers: ClinVar variation 5035063 (VCV005035063.1).
Genomic context (GRCh38, chr1:15,440,538, plus strand): 5'-CCCACCCTCCTGCAGATCTCCCTCCAGTACCTCAAGAACGACACGTGGAGGCATACGTGT[G>C]GCGGGACTTTGATTGCTAGCAACTTCGTCCTCACTGCCGCCCACTGCATCAGGTGTGCGG-3'
Protein context (NP_009203.2, residues 50-70): LKNDTWRHTC[Gly60Arg]GTLIASNFVL

ClinVar aggregate classification (germline): Uncertain significance (1 of 4 stars; one submission).

Conditions:
Hereditary pancreatitis (PCTT). Also called: Hereditary chronic pancreatitis; PRSS1-Related Hereditary Pancreatitis. Identifiers: Orphanet 676, MedGen C0238339, MONDO:0008185, OMIM 167800.

Submission:

Ambry Genetics
Classification: Uncertain significance for Hereditary pancreatitis. Last evaluated: 2026-09-04. Review status: criteria provided, single submitter. Criteria: Ambry Variant Classification Scheme 2023. Collection method: clinical testing. Allele origin: germline.
Comment: The p.G60R variant (also known as c.178G>C), located in coding exon 3 of the CTRC gene, results from a G to C substitution at nucleotide position 178. The glycine at codon 60 is replaced by arginine, an amino acid with dissimilar properties. This amino acid position is conserved. In addition, this alteration is predicted to be deleterious by in silico analysis. Based on the available evidence, the clinical significance of this variant remains unclear.